The following is an entry in ClinVar:

NM_014956.5(CEP164):c.990_1001dup (p.Pro334_Thr335insLysAlaAspPro)

Gene: CEP164 (centrosomal protein 164; plus strand). Cytogenetic location: 11q23.3.
Variant type: Duplication.
Coding change: c.990_1001dup on transcript NM_014956.5 (MANE Select); coding-DNA positions 990 to 1001, 12 bases duplicated (CAAGGCAGACCC).
Protein change: p.Pro334_Thr335insLysAlaAspPro.
Molecular consequence: inframe insertion.
Genome position (GRCh38, 1-based): chr11:117,371,304-117,371,315, CAAGGCAGACCC duplicated; duplicating any 12 consecutive bases within chr11:117,371,301-117,371,315 gives the same sequence; the c. name uses the placement nearest the transcript's 3' end. VCF-style (leftmost placement, unchanged base first): chr11-117371300-C-CCCCCAAGGCAGA. GRCh37 (hg19) VCF-style: chr11-117242016-C-CCCCCAAGGCAGA.
Other names: c.990_1001dup, p.Pro334_Thr335insLysAlaAspPro (NM_001271933.2).
Identifiers: ClinVar variation 2202624 (VCV002202624.1), dbSNP rs2541193708, ClinGen allele CA2580083487.

ClinVar aggregate classification (germline): Uncertain significance (1 of 4 stars; one submission).

Conditions:
Nephronophthisis 15 (NPHP15). Identifiers: Orphanet 3156, MedGen C3541853, MONDO:0013917, OMIM 614845.

Submission:

Labcorp Genetics (formerly Invitae), Labcorp
Classification: Uncertain significance for Nephronophthisis 15. Last evaluated: 2022-01-11. Review status: criteria provided, single submitter. Criteria: Invitae Variant Classification Sherloc (09022015). Collection method: clinical testing. Allele origin: germline.
Comment: This variant, c.990_1001dup, results in the insertion of 4 amino acid(s) of the CEP164 protein (p.Lys331_Pro334dup), but otherwise preserves the integrity of the reading frame. This variant is not present in population databases (gnomAD no frequency). This variant has not been reported in the literature in individuals affected with CEP164-related conditions. In summary, the available evidence is currently insufficient to determine the role of this variant in disease. Therefore, it has been classified as a Variant of Uncertain Significance.